The following is an entry in ClinVar:

NM_000081.4(LYST):c.8537A>C (p.Glu2846Ala)

Gene: LYST (lysosomal trafficking regulator; minus strand). Cytogenetic location: 1q42.3.
Variant type: single nucleotide variant.
Coding change: c.8537A>C on transcript NM_000081.4 (MANE Select); coding-DNA position 8537, A replaced by C.
Protein change: p.Glu2846Ala; replaces glutamic acid 2846 with alanine.
Molecular consequence: missense variant.
Genome position (GRCh38, 1-based): chr1:235,733,905, T>G on the plus strand (A>C on the coding strand, the complement: LYST is on the minus strand). VCF-style: chr1-235733905-T-G. GRCh37 (hg19) VCF-style: chr1-235897205-T-G.
Other names: c.8537A>C (NM_000081.2); c.8537A>C, p.Glu2846Ala (NM_001301365.1); short protein forms E2846A.
Identifiers: ClinVar variation 296370 (VCV000296370.13), dbSNP rs765338918, ClinGen allele CA1465824.
Genomic context (GRCh38, chr1:235,733,905, plus strand): 5'-TTAACTGTTTTCTGCCAAGCAGCTTTATTCACTCCTTCTTCAGTTTCATATTTCTTTTGT[T>G]CCTAGAAGATTTAGATAATAATATACTATATAAAATTTATTATTTCTCACCTAACATTGT-3'
Protein context (NP_000072.2, residues 2836-2856): KADLIKMIKE[Glu2846Ala]QKKYETEEGV

ClinVar aggregate classification (germline): Uncertain significance. Review status: criteria provided, multiple submitters, no conflicts (2 of 4 stars). 3 submissions from 3 submitters: Uncertain significance (3). Last evaluated 2025-12-02.

Conditions:
Inborn genetic diseases. Identifiers: MedGen C0950123, MeSH D030342.
Chédiak-Higashi syndrome (CHS). Also called: Chediak-Higashi Syndrome. Identifiers: Orphanet 167, MedGen C0007965, MONDO:0008963, OMIM 214500.

Allele frequency attached by ClinVar (database versions not stated): ExAC 0.00001; TOPMed 0.00001; gnomAD exomes 0.00002; gnomAD 0.00007.
gnomAD v4.1: 36 of 1,531,946 alleles (0.0023%); highest among the groups gnomAD compares: Non-Finnish European, 0.003%; 1 homozygote.

Submissions (3):

Labcorp Genetics (formerly Invitae), Labcorp
Classification: Uncertain significance for Chédiak-Higashi syndrome. Last evaluated: 2025-12-02. Review status: criteria provided, single submitter. Criteria: Invitae Variant Classification Sherloc (09022015). Collection method: clinical testing. Allele origin: germline.
Comment: This sequence change replaces glutamic acid, which is acidic and polar, with alanine, which is neutral and non-polar, at codon 2846 of the LYST protein (p.Glu2846Ala). This variant is present in population databases (rs765338918, gnomAD 0.009%). This variant has not been reported in the literature in individuals affected with LYST-related conditions. ClinVar contains an entry for this variant (Variation ID: 296370). An algorithm developed to predict the effect of missense changes on protein structure and function (PolyPhen-2) suggests that this variant is likely to be tolerated. In summary, the available evidence is currently insufficient to determine the role of this variant in disease. Therefore, it has been classified as a Variant of Uncertain Significance.

Ambry Genetics
Classification: Uncertain significance for Inborn genetic diseases. Last evaluated: 2025-11-06. Review status: criteria provided, single submitter. Criteria: Ambry Variant Classification Scheme 2023. Collection method: clinical testing. Allele origin: germline.

Revvity Omics, Revvity
Classification: Uncertain significance for Chédiak-Higashi syndrome. Last evaluated: 2019-03-13. Review status: criteria provided, single submitter. Criteria: ACMG Guidelines, 2015. Collection method: clinical testing. Allele origin: germline.